The following is an entry in ClinVar:

NM_004525.3(LRP2):c.5101G>A (p.Val1701Met)

Gene: LRP2 (LDL receptor related protein 2; minus strand). Cytogenetic location: 2q31.1.
Variant type: single nucleotide variant.
Coding change: c.5101G>A on transcript NM_004525.3 (MANE Select); coding-DNA position 5101, G replaced by A.
Protein change: p.Val1701Met; replaces valine 1701 with methionine.
Molecular consequence: missense variant.
Genome position (GRCh38, 1-based): chr2:169,231,840, C>T on the plus strand (G>A on the coding strand, the complement: LRP2 is on the minus strand). VCF-style: chr2-169231840-C-T. GRCh37 (hg19) VCF-style: chr2-170088350-C-T.
Other names: c.5101G>A (NM_004525.2); short protein forms V1701M.
Identifiers: ClinVar variation 1510142 (VCV001510142.8), dbSNP rs757540309, ClinGen allele CA1954610.
Genomic context (GRCh38, chr2:169,231,840, plus strand): 5'-GAGGCCCCTGTGAGGAAAGCAGGCAGAGATGGCTGCAGCGGGAAAAGGCACATGGATTCA[C>T]GGCTGCATGAGAAAGAGAAGAAAGCACCAGTAAGTGGAAAACCTCCACATTAAAATCAAA-3'
Protein context (NP_004516.2, residues 1691-1711): AVHPSKQPNS[Val1701Met]NPCAFSRCSH

ClinVar aggregate classification (germline): Uncertain significance. Review status: criteria provided, multiple submitters, no conflicts (2 of 4 stars). 3 submissions from 3 submitters: Uncertain significance (3). Last evaluated 2026-06-01.

Conditions:
Inborn genetic diseases. Identifiers: MedGen C0950123, MeSH D030342.

Allele frequency attached by ClinVar (database versions not stated): gnomAD 0.00001; gnomAD exomes 0.00001 and 0.00002; TOPMed 0.00001; ExAC 0.00004.
gnomAD v4.1: 16 of 1,613,772 alleles (0.00099%); highest among the groups gnomAD compares: Middle Eastern, 0.016%; no homozygotes.

Submissions (3):

CeGaT Center for Human Genetics Tuebingen
Classification: Uncertain significance. Last evaluated: 2026-06-01. Review status: criteria provided, single submitter. Criteria: CeGaT Center For Human Genetics Tuebingen Variant Classification Criteria Version 2. Collection method: clinical testing. Allele origin: germline. Affected: yes. Observed: 1 variant allele.
Comment: LRP2: PM2

Ambry Genetics
Classification: Uncertain significance for Inborn genetic diseases. Last evaluated: 2025-01-19. Review status: criteria provided, single submitter. Criteria: Ambry Variant Classification Scheme 2023. Collection method: clinical testing. Allele origin: germline.

Labcorp Genetics (formerly Invitae), Labcorp
Classification: Uncertain significance. Last evaluated: 2022-09-06. Review status: criteria provided, single submitter. Criteria: Invitae Variant Classification Sherloc (09022015). Collection method: clinical testing. Allele origin: germline.
Comment: This sequence change replaces valine, which is neutral and non-polar, with methionine, which is neutral and non-polar, at codon 1701 of the LRP2 protein (p.Val1701Met). This variant is present in population databases (rs757540309, gnomAD 0.006%). This variant has not been reported in the literature in individuals affected with LRP2-related conditions. ClinVar contains an entry for this variant (Variation ID: 1510142). Algorithms developed to predict the effect of missense changes on protein structure and function output the following: SIFT: "Tolerated"; PolyPhen-2: "Benign"; Align-GVGD: "Class C0". The methionine amino acid residue is found in multiple mammalian species, which suggests that this missense change does not adversely affect protein function. In summary, the available evidence is currently insufficient to determine the role of this variant in disease. Therefore, it has been classified as a Variant of Uncertain Significance.